The following is an entry in ClinVar:

ClinVar aggregate classification (germline): Uncertain significance (1 of 4 stars; one submission).

Conditions:
IFT56-related disorder. Also called: IFT56-related condition.

gnomAD v4.1: 22 of 1,610,720 alleles (0.0014%); highest among the groups gnomAD compares: Admixed American, 0.01%; no homozygotes.

Submission:

PreventionGenetics, part of Exact Sciences
Classification: Uncertain significance for IFT56-related condition. Last evaluated: 2026-04-15. Review status: criteria provided, single submitter. Criteria: ACMG Guidelines, 2015. Collection method: clinical testing. Allele origin: germline.
Comment: The IFT56 c.527G>A variant is predicted to result in the amino acid substitution p.Arg176Gln. To our knowledge, this variant has not been reported in the literature. This variant is reported in 0.012% of alleles in individuals of Latino descent in gnomAD. At this time, the clinical significance of this variant is uncertain due to the absence of conclusive functional and genetic evidence.

NM_024926.4(IFT56):c.527G>A (p.Arg176Gln)

Gene: IFT56 (intraflagellar transport 56; plus strand). Cytogenetic location: 7q34.
Variant type: single nucleotide variant.
Coding change: c.527G>A on transcript NM_024926.4 (MANE Select); coding-DNA position 527, G replaced by A.
Protein change: p.Arg176Gln; replaces arginine 176 with glutamine.
Molecular consequence: missense variant. On other transcripts: intron variant (2).
Genome position (GRCh38, 1-based): chr7:139,147,272, G>A. VCF-style: chr7-139147272-G-A. GRCh37 (hg19) VCF-style: chr7-138832018-G-A.
Other names: c.527G>A, p.Arg176Gln (NM_001144920.3, NM_001321740.2, NM_001321742.2); c.434G>A, p.Arg145Gln (NM_001144923.3); c.212G>A, p.Arg71Gln (NM_001287513.2); c.107G>A, p.Arg36Gln (NM_001318333.2); c.399+4967G>A (NM_001321741.2, NM_001287512.2); short protein forms R176Q, R36Q, R145Q, R71Q.
Identifiers: ClinVar variation 4979792 (VCV004979792.1).
Genomic context (GRCh38, chr7:139,147,272, plus strand): 5'-GTTTGGCCTCAATCCACTATATGCGATCTCACTACCAAGAAGCTATAGATATATATAAGC[G>A]AATACTGCTAGATAACAGGTCTGTGTCCTTTTATGCCCACTCTCCATTCCTTTCATTTTG-3'
Protein context (NP_079202.2, residues 166-186): HYQEAIDIYK[Arg176Gln]ILLDNREYLA